The following is an entry in ClinVar:

NM_001148.6(ANK2):c.8518C>A (p.Pro2840Thr)

Gene: ANK2 (ankyrin 2; plus strand). Cytogenetic location: 4q26.
Variant type: single nucleotide variant.
Coding change: c.8518C>A on transcript NM_001148.6 (MANE Select); coding-DNA position 8518, C replaced by A.
Protein change: p.Pro2840Thr; replaces proline 2840 with threonine.
Molecular consequence: missense variant. On other transcripts: intron variant (68).
Genome position (GRCh38, 1-based): chr4:113,357,136, C>A. VCF-style: chr4-113357136-C-A. GRCh37 (hg19) VCF-style: chr4-114278292-C-A.
Other names: c.8284C>A, p.Pro2762Thr (NM_001386142.1); c.4918C>A, p.Pro1640Thr (NM_001386166.1); c.8659C>A, p.Pro2887Thr (NM_001386174.1); c.8635C>A, p.Pro2879Thr (NM_001386175.1); c.4412-3687C>A (NM_001386186.2, NM_001386148.2); c.4214-3687C>A (NM_001354269.3); c.4292-3687C>A (NM_001386187.2); c.4253-3687C>A (NM_001386147.1); and 35 more; short protein forms P2762T, P2840T, P2879T, P1640T, P2887T.
Identifiers: ClinVar variation 1487837 (VCV001487837.8), dbSNP rs2095839037, ClinGen allele CA357934231.

ClinVar aggregate classification (germline): Uncertain significance (1 of 4 stars; one submission).

Conditions:
Long QT syndrome (LQTS). Identifiers: MedGen C0023976, MeSH D008133, MONDO:0002442. Disease mechanism: loss of function. Inheritance: Various modes of inheritance.

Allele frequency attached by ClinVar (database versions not stated): TOPMed below 0.00001.

Submission:

Labcorp Genetics (formerly Invitae), Labcorp
Classification: Uncertain significance for Long QT syndrome. Last evaluated: 2020-12-26. Review status: criteria provided, single submitter. Criteria: Invitae Variant Classification Sherloc (09022015). Collection method: clinical testing. Allele origin: germline.
Comment: This sequence change replaces proline with threonine at codon 2840 of the ANK2 protein (p.Pro2840Thr). The proline residue is weakly conserved and there is a small physicochemical difference between proline and threonine. In summary, the available evidence is currently insufficient to determine the role of this variant in disease. Therefore, it has been classified as a Variant of Uncertain Significance. Algorithms developed to predict the effect of missense changes on protein structure and function (SIFT, PolyPhen-2, Align-GVGD) all suggest that this variant is likely to be tolerated, but these predictions have not been confirmed by published functional studies and their clinical significance is uncertain. This variant has not been reported in the literature in individuals with ANK2-related conditions. This variant is not present in population databases (ExAC no frequency).